The following is an entry in ClinVar:

NM_000548.5(TSC2):c.774+4G>T

Gene: TSC2 (TSC complex subunit 2; plus strand). Cytogenetic location: 16p13.3.
Variant type: single nucleotide variant.
Coding change: c.774+4G>T on transcript NM_000548.5 (MANE Select); 4 bases into the intron after coding-DNA position 774, G replaced by T.
Molecular consequence: intron variant.
Genome position (GRCh38, 1-based): chr16:2,056,773, G>T. VCF-style: chr16-2056773-G-T. GRCh37 (hg19) VCF-style: chr16-2106774-G-T.
Other names: c.774+4G>T (NM_001114382.3, NM_021055.3, NM_001370405.1 and 3 more transcripts); c.663+4G>T (NM_001318827.2); c.174+4G>T (NM_001318831.2); c.627+4G>T (NM_001318829.2); c.807+4G>T (NM_001318832.2).
Identifiers: ClinVar variation 2025271 (VCV002025271.4), dbSNP rs1244859914, ClinGen allele CA2580090572.

ClinVar aggregate classification (germline): Uncertain significance (1 of 4 stars; one submission).

Conditions:
Tuberous sclerosis 2 (TSC2). Identifiers: Orphanet 805, MedGen C1860707, MONDO:0013199, OMIM 613254.

gnomAD v4.1: 1 of 1,607,320 alleles (0.000062%); highest among the groups gnomAD compares: South Asian, 0.0011%; no homozygotes.

Submission:

Labcorp Genetics (formerly Invitae), Labcorp
Classification: Uncertain significance for Tuberous sclerosis 2. Last evaluated: 2022-08-22. Review status: criteria provided, single submitter. Criteria: Invitae Variant Classification Sherloc (09022015). Collection method: clinical testing. Allele origin: germline.
Comment: In summary, the available evidence is currently insufficient to determine the role of this variant in disease. Therefore, it has been classified as a Variant of Uncertain Significance. Variants that disrupt the consensus splice site are a relatively common cause of aberrant splicing (PMID: 17576681, 9536098). Algorithms developed to predict the effect of sequence changes on RNA splicing suggest that this variant may create or strengthen a splice site. This variant has not been reported in the literature in individuals affected with TSC2-related conditions. This variant is not present in population databases (gnomAD no frequency). This sequence change falls in intron 8 of the TSC2 gene. It does not directly change the encoded amino acid sequence of the TSC2 protein. It affects a nucleotide within the consensus splice site.

Literature cited by the submitters: PubMed 17576681; PubMed 9536098.